The following is an entry in ClinVar:

ClinVar aggregate classification (germline): Pathogenic (0 of 4 stars; one submission).

Conditions:
Mitochondrial DNA depletion syndrome, myopathic form (MTDPS2). Also called: MITOCHONDRIAL DNA DEPLETION SYNDROME 2 (MYOPATHIC TYPE); TK2-Related Mitochondrial DNA Maintenance Defect, Myopathic Form; MITOCHONDRIAL DNA DEPLETION MYOPATHY, TK2-RELATED. Identifiers: Orphanet 254875, MedGen C3149750, MONDO:0012301, OMIM 609560.

Submission:

GeneReviews
Classification: Pathogenic for TK2-Related Mitochondrial DNA Depletion Syndrome, Myopathic Form. Last evaluated: 2012-12-06. Review status: no assertion criteria provided. Collection method: curation. Allele origin: unknown.
ClinVar note: Converted during submission from pathologic to Pathogenic.

NM_004614.4:c.-270+2561delins;7287-7335inv

Gene: TK2 (thymidine kinase 2; minus strand). Cytogenetic location: 16q22.
Variant type: Insertion.
Identifiers: ClinVar variation 38971 (VCV000038971.3).